The following is an entry in ClinVar:

ClinVar aggregate classification (germline): Uncertain significance (1 of 4 stars; one submission).

Submission:

Laboratory for Molecular Medicine, Mass General Brigham Personalized Medicine
Classification: Uncertain significance. Last evaluated: 2014-06-19. Review status: criteria provided, single submitter. Criteria: LMM Criteria. Collection method: clinical testing. Allele origin: germline. Observed: 1 variant allele.
Comment: The (?_1)_(76_?)dup variant in MYOZ2 is a duplication of exon 2, the first codin g exon of the MYOZ2 gene, and has not been previously reported in individuals wi th cardiomyopathy. Data from large population studies is insufficient to assess the frequency of this variant. The precise end points of this copy number varian t and its location in the genome in this individual are not detectable by this t est; therefore, the functional impact of this variant remains unclear. In summar y, the clinical significance of this variant is uncertain.

NM_016599.4(MYOZ2):c.(?_1)_(76_?)dup (p.(?))

Gene: MYOZ2 (myozenin 2; plus strand). Cytogenetic location: 4q26.
Variant type: Duplication.
Identifiers: ClinVar variation 179840 (VCV000179840.5).